The following is an entry in ClinVar:

NC_000010.11:g.(?_53903233)_(54664272_?)del

Gene: PCDH15 (protocadherin related 15; minus strand). Cytogenetic location: 10q21.1.
Variant type: Deletion.
Identifiers: ClinVar variation 831546 (VCV000831546.5).

ClinVar aggregate classification (germline): Pathogenic (1 of 4 stars; one submission).

Submission:

Labcorp Genetics (formerly Invitae), Labcorp
Classification: Pathogenic. Last evaluated: 2019-11-30. Review status: criteria provided, single submitter. Criteria: Invitae Variant Classification Sherloc (09022015). Collection method: clinical testing. Allele origin: germline.
Comment: For these reasons, this variant has been classified as Pathogenic. Loss-of-function variants in PCDH15 are known to be pathogenic (PMID: 11398101, 11487575, 14570705). This variant has not been reported in the literature in individuals with PCDH15-related conditions. This variant is a gross deletion of the genomic region encompassing exons 2-26 of the PCDH15 gene, which includes the initiator codon. The 5' end of this event is unknown as it extends beyond the assayed region for this gene and therefore may encompass additional genes. The 3' boundary is likely confined to intron 26 of the PCDH15 gene. This is expected to result in an absent or disrupted protein product.

Literature cited by the submitters: PubMed 11398101; PubMed 11487575; PubMed 14570705.